The following is an entry in ClinVar:

ClinVar aggregate classification (germline): Uncertain significance. Review status: criteria provided, multiple submitters, no conflicts (2 of 4 stars). 2 submissions from 2 submitters: Uncertain significance (2). Last evaluated 2025-06-24.

Conditions:
Inborn genetic diseases. Identifiers: MedGen C0950123, MeSH D030342.

Allele frequency attached by ClinVar (database versions not stated): gnomAD exomes below 0.00001 and 0.00001; ExAC 0.00001; gnomAD 0.00001.
gnomAD v4.1: 18 of 1,563,952 alleles (0.0012%); highest among the groups gnomAD compares: Non-Finnish European, 0.0016%; no homozygotes.

Submissions (2):

Ambry Genetics
Classification: Uncertain significance for Inborn genetic diseases. Last evaluated: 2025-06-24. Review status: criteria provided, single submitter. Criteria: Ambry Variant Classification Scheme 2023. Collection method: clinical testing. Allele origin: germline.

Labcorp Genetics (formerly Invitae), Labcorp
Classification: Uncertain significance. Last evaluated: 2021-12-08. Review status: criteria provided, single submitter. Criteria: Invitae Variant Classification Sherloc (09022015). Collection method: clinical testing. Allele origin: germline.
Comment: In summary, the available evidence is currently insufficient to determine the role of this variant in disease. Therefore, it has been classified as a Variant of Uncertain Significance. Algorithms developed to predict the effect of missense changes on protein structure and function output the following: SIFT: "Tolerated"; PolyPhen-2: "Benign"; Align-GVGD: "Class C0". The asparagine amino acid residue is found in multiple mammalian species, which suggests that this missense change does not adversely affect protein function. This variant has not been reported in the literature in individuals affected with CWC27-related conditions. This variant is present in population databases (rs757774900, gnomAD 0.002%). This sequence change replaces serine, which is neutral and polar, with asparagine, which is neutral and polar, at codon 203 of the CWC27 protein (p.Ser203Asn).

NM_005869.4(CWC27):c.608G>A (p.Ser203Asn)

Gene: CWC27 (CWC27 spliceosome associated cyclophilin; plus strand). Cytogenetic location: 5q12.3.
Variant type: single nucleotide variant.
Coding change: c.608G>A on transcript NM_005869.4 (MANE Select); coding-DNA position 608, G replaced by A.
Protein change: p.Ser203Asn; replaces serine 203 with asparagine.
Molecular consequence: missense variant.
Genome position (GRCh38, 1-based): chr5:64,788,959, G>A. VCF-style: chr5-64788959-G-A. GRCh37 (hg19) VCF-style: chr5-64084786-G-A.
Other names: c.608G>A (NM_005869.2); c.608G>A, p.Ser203Asn (NM_001297644.1, NM_001297645.2, NM_001318000.2 and 1 more transcripts); short protein forms S203N.
Identifiers: ClinVar variation 1436985 (VCV001436985.7), dbSNP rs757774900, ClinGen allele CA3282023.
Genomic context (GRCh38, chr5:64,788,959, plus strand): 5'-TTTGATTTGACTTTCTCTTTCTTTTTTTTTTTCTTTCTTTTTTTTGGACTAGAAATTTTA[G>A]TTTACTTTCATTTGGAGAGGAAGCTGAGGAAGAAGAGGAGGAAGTAAATCGAGTTAGTCA-3'
Protein context (NP_005860.2, residues 193-213): KLKPKGTKNF[Ser203Asn]LLSFGEEAEE